The following is an entry in ClinVar:

NM_001556.3(IKBKB):c.692+5G>C

Gene: IKBKB (inhibitor of nuclear factor kappa B kinase subunit beta; plus strand). Cytogenetic location: 8p11.21.
Variant type: single nucleotide variant.
Coding change: c.692+5G>C on transcript NM_001556.3 (MANE Select); 5 bases into the intron after coding-DNA position 692, G replaced by C.
Molecular consequence: intron variant.
Genome position (GRCh38, 1-based): chr8:42,309,030, G>C. VCF-style: chr8-42309030-G-C. GRCh37 (hg19) VCF-style: chr8-42166548-G-C.
Other names: c.515+5G>C (NM_001242778.2); c.500+5G>C (NM_001190720.3).
Identifiers: ClinVar variation 2103904 (VCV002103904.4), dbSNP rs2487553888, ClinGen allele CA2580078306.

ClinVar aggregate classification (germline): Uncertain significance (1 of 4 stars; one submission).

Conditions:
Severe combined immunodeficiency due to IKK2 deficiency. Also called: IMMUNODEFICIENCY 15B; Immunodeficiency 15. Identifiers: Orphanet 397787, MedGen C4747743, MONDO:0014267, OMIM 615592.

Submission:

Labcorp Genetics (formerly Invitae), Labcorp
Classification: Uncertain significance for Severe combined immunodeficiency due to IKK2 deficiency. Last evaluated: 2025-01-13. Review status: criteria provided, single submitter. Criteria: Invitae Variant Classification Sherloc (09022015). Collection method: clinical testing. Allele origin: germline.
Comment: This sequence change falls in intron 8 of the IKBKB gene. It does not directly change the encoded amino acid sequence of the IKBKB protein. It affects a nucleotide within the consensus splice site. This variant is not present in population databases (gnomAD no frequency). This variant has not been reported in the literature in individuals affected with IKBKB-related conditions. ClinVar contains an entry for this variant (Variation ID: 2103904). Variants that disrupt the consensus splice site are a relatively common cause of aberrant splicing (PMID: 17576681, 9536098). Algorithms developed to predict the effect of sequence changes on RNA splicing suggest that this variant may disrupt the consensus splice site. In summary, the available evidence is currently insufficient to determine the role of this variant in disease. Therefore, it has been classified as a Variant of Uncertain Significance.

Literature cited by the submitters: PubMed 17576681; PubMed 9536098.